The following is an entry in ClinVar:

NM_001042492.3(NF1):c.7876C>A (p.Leu2626Met)

Gene: NF1 (neurofibromin 1; plus strand). Cytogenetic location: 17q11.2.
Variant type: single nucleotide variant.
Coding change: c.7876C>A on transcript NM_001042492.3 (MANE Select); coding-DNA position 7876, C replaced by A.
Protein change: p.Leu2626Met; replaces leucine 2626 with methionine.
Molecular consequence: missense variant.
Genome position (GRCh38, 1-based): chr17:31,357,275, C>A. VCF-style: chr17-31357275-C-A. GRCh37 (hg19) VCF-style: chr17-29684293-C-A.
Other names: c.7813C>A, p.Leu2605Met (NM_000267.4); short protein forms L2626M, L2605M.
Identifiers: ClinVar variation 862896 (VCV000862896.9), dbSNP rs1555536748, ClinGen allele CA399018773.
Genomic context (GRCh38, chr17:31,357,275, plus strand): 5'-CAATTCAGCCACAAAGTAAAAATGTTGTGTGTTTACTTTTTTGCATCTTGGCAGGCTACA[C>A]TGGTAAAATATACCACAGATGAGTTTGATCAACGAATTCTTTATGAATACTTAGCAGAGG-3'
Protein context (NP_001035957.1, residues 2616-2636): QALLLTVLAT[Leu2626Met]VKYTTDEFDQ

ClinVar aggregate classification (germline): Uncertain significance. Review status: criteria provided, multiple submitters, no conflicts (2 of 4 stars). 2 submissions from 2 submitters: Uncertain significance (2). Last evaluated 2023-04-27.

Conditions:
Neurofibromatosis, type 1 (NF1). Also called: Neurofibromatosis, type I; VON RECKLINGHAUSEN DISEASE; Peripheral type neurofibromatosis; NEUROFIBROMATOSIS, TYPE I, SOMATIC. Identifiers: Orphanet 636, MedGen C0027831, MONDO:0018975, OMIM 162200. Disease mechanism: loss of function.
Hereditary cancer-predisposing syndrome. Also called: Tumor predisposition; Hereditary Cancer Syndrome; Neoplastic Syndromes, Hereditary; Hereditary neoplastic syndrome. Identifiers: Orphanet 140162, MedGen C0027672, MeSH D009386, MONDO:0015356.
Cardiovascular phenotype. Identifiers: MedGen CN230736.

Submissions (2):

Labcorp Genetics (formerly Invitae), Labcorp
Classification: Uncertain significance for Neurofibromatosis, type 1. Last evaluated: 2023-04-27. Review status: criteria provided, single submitter. Criteria: Invitae Variant Classification Sherloc (09022015). Collection method: clinical testing. Allele origin: germline.
Comment: Advanced modeling of protein sequence and biophysical properties (such as structural, functional, and spatial information, amino acid conservation, physicochemical variation, residue mobility, and thermodynamic stability) performed at Invitae indicates that this missense variant is expected to disrupt NF1 protein function. In summary, the available evidence is currently insufficient to determine the role of this variant in disease. Therefore, it has been classified as a Variant of Uncertain Significance. ClinVar contains an entry for this variant (Variation ID: 862896). This variant has not been reported in the literature in individuals affected with NF1-related conditions. This variant is not present in population databases (gnomAD no frequency). This sequence change replaces leucine, which is neutral and non-polar, with methionine, which is neutral and non-polar, at codon 2605 of the NF1 protein (p.Leu2605Met).

Ambry Genetics
Classification: Uncertain significance for Cardiovascular phenotype; Hereditary cancer-predisposing syndrome. Last evaluated: 2022-04-02. Review status: criteria provided, single submitter. Criteria: Ambry Variant Classification Scheme 2023. Collection method: clinical testing. Allele origin: germline.
Comment: The p.L2605M variant (also known as c.7813C>A), located in coding exon 53 of the NF1 gene, results from a C to A substitution at nucleotide position 7813. The leucine at codon 2605 is replaced by methionine, an amino acid with highly similar properties. This amino acid position is conserved. In addition, this alteration is predicted to be tolerated by in silico analysis. Since supporting evidence is limited at this time, the clinical significance of this alteration remains unclear.